The following is an entry in ClinVar:

NM_019066.5(MAGEL2):c.1022A>G (p.Gln341Arg)

Gene: MAGEL2 (MAGE family member L2; minus strand). Cytogenetic location: 15q11.2.
Variant type: single nucleotide variant.
Coding change: c.1022A>G on transcript NM_019066.5 (MANE Select); coding-DNA position 1022, A replaced by G.
Protein change: p.Gln341Arg; replaces glutamine 341 with arginine.
Molecular consequence: missense variant.
Genome position (GRCh38, 1-based): chr15:23,646,721, T>C on the plus strand (A>G on the coding strand, the complement: MAGEL2 is on the minus strand). VCF-style: chr15-23646721-T-C. GRCh37 (hg19) VCF-style: chr15-23891868-T-C.
Other names: short protein forms Q341R.
Identifiers: ClinVar variation 3367366 (VCV003367366.1).

ClinVar aggregate classification (germline): Uncertain significance (1 of 4 stars; one submission).

Submission:

GeneDx
Classification: Uncertain significance. Last evaluated: 2024-01-02. Review status: criteria provided, single submitter. Criteria: GeneDx Variant Classification Process June 2021. Collection method: clinical testing. Allele origin: germline. Affected: yes.
Comment: Not observed at significant frequency in large population cohorts (gnomAD); In-silico analysis is inconclusive as to whether the variant impacts protein structure/function. In the absence of functional studies, the actual effect of this sequence change is unknown; Has not been previously published as pathogenic or benign to our knowledge